The following is an entry in ClinVar:

ClinVar aggregate classification (germline): Likely benign. Review status: criteria provided, multiple submitters, no conflicts (2 of 4 stars). 2 submissions from 2 submitters: Likely benign (2). Last evaluated 2024-11-03.

Conditions:
Charcot-Marie-Tooth disease dominant intermediate B (CMTDIB). Also called: CHARCOT-MARIE-TOOTH NEUROPATHY, DOMINANT INTERMEDIATE B; Charcot-Marie-Tooth disease dominant intermediate 1; CMT DI1; Charcot-Marie-Tooth disease dominant intermediate I. Identifiers: Orphanet 100044, Orphanet 228179, MedGen C1847902, MONDO:0011674, OMIM 606482.

Allele frequency attached by ClinVar (database versions not stated): gnomAD exomes 0.00001; ExAC 0.00002; gnomAD 0.00002; TOPMed 0.00002.

Submissions (2):

Labcorp Genetics (formerly Invitae), Labcorp
Classification: Likely benign for Charcot-Marie-Tooth disease dominant intermediate B. Last evaluated: 2024-11-03. Review status: criteria provided, single submitter. Criteria: Invitae Variant Classification Sherloc (09022015). Collection method: clinical testing. Allele origin: germline.

CeGaT Center for Human Genetics Tuebingen
Classification: Likely benign. Last evaluated: 2022-04-01. Review status: criteria provided, single submitter. Criteria: CeGaT Center For Human Genetics Tuebingen Variant Classification Criteria Version 2. Collection method: clinical testing. Allele origin: germline. Affected: yes. Observed: 1 variant allele.
Comment: DNM2: BP4, BP7

NM_001005361.3(DNM2):c.552C>T (p.Ser184=)

Gene: DNM2 (dynamin 2; plus strand). Cytogenetic location: 19p13.2.
Variant type: single nucleotide variant.
Coding change: c.552C>T on transcript NM_001005361.3 (MANE Select); coding-DNA position 552, C replaced by T.
Protein change: p.Ser184=; no amino-acid change (serine 184 retained).
Molecular consequence: synonymous variant.
Genome position (GRCh38, 1-based): chr19:10,775,869, C>T. VCF-style: chr19-10775869-C-T. GRCh37 (hg19) VCF-style: chr19-10886545-C-T.
Other names: c.552C>T, p.Ser184= (NM_001005360.3, NM_001005362.3, NM_001190716.2 and 1 more transcripts).
Identifiers: ClinVar variation 1530297 (VCV001530297.31), dbSNP rs769028557, ClinGen allele CA9200819.